The following is an entry in ClinVar:

NM_016222.4(DDX41):c.726C>G (p.Phe242Leu)

Gene: DDX41 (DEAD-box helicase 41; minus strand). Cytogenetic location: 5q35.3.
Variant type: single nucleotide variant.
Coding change: c.726C>G on transcript NM_016222.4 (MANE Select); coding-DNA position 726, C replaced by G.
Protein change: p.Phe242Leu; replaces phenylalanine 242 with leucine.
Molecular consequence: missense variant.
Genome position (GRCh38, 1-based): chr5:177,514,988, G>C on the plus strand (C>G on the coding strand, the complement: DDX41 is on the minus strand). VCF-style: chr5-177514988-G-C. GRCh37 (hg19) VCF-style: chr5-176941989-G-C.
Other names: c.726C>G (NM_016222.2); c.348C>G, p.Phe116Leu (NM_001321732.2, NM_001321830.2); short protein forms F116L, F242L.
Identifiers: ClinVar variation 2906367 (VCV002906367.6), dbSNP rs2532084641, ClinGen allele CA362375261.

ClinVar aggregate classification (germline): Uncertain significance. Review status: criteria provided, multiple submitters, no conflicts (2 of 4 stars). 4 submissions from 4 submitters: Uncertain significance (4). Last evaluated 2025-03-17.

Conditions:
Inborn genetic diseases. Identifiers: MedGen C0950123, MeSH D030342.

Submissions (4):

Ambry Genetics
Classification: Uncertain significance for Inborn genetic diseases. Last evaluated: 2025-03-17. Review status: criteria provided, single submitter. Criteria: Ambry Variant Classification Scheme 2023. Collection method: clinical testing. Allele origin: germline.
Comment: The p.F242L variant (also known as c.726C>G), located in coding exon 8 of the DDX41 gene, results from a C to G substitution at nucleotide position 726. The phenylalanine at codon 242 is replaced by leucine, an amino acid with highly similar properties. This amino acid position is conserved. In addition, the in silico prediction for this alteration is inconclusive. Based on the available evidence, the clinical significance of this variant remains unclear.

GeneDx
Classification: Uncertain significance. Last evaluated: 2024-06-24. Review status: criteria provided, single submitter. Criteria: GeneDx Variant Classification Process June 2021. Collection method: clinical testing. Allele origin: germline. Affected: yes.
Comment: Not observed at significant frequency in large population cohorts (gnomAD); In silico analysis indicates that this missense variant does not alter protein structure/function; Has not been previously published as pathogenic or benign to our knowledge; This variant is associated with the following publications: (PMID: 27721487)

Labcorp Genetics (formerly Invitae), Labcorp
Classification: Uncertain significance. Last evaluated: 2023-11-12. Review status: criteria provided, single submitter. Criteria: Invitae Variant Classification Sherloc (09022015). Collection method: clinical testing. Allele origin: germline.
Comment: This sequence change replaces phenylalanine, which is neutral and non-polar, with leucine, which is neutral and non-polar, at codon 242 of the DDX41 protein (p.Phe242Leu). This variant is not present in population databases (gnomAD no frequency). This variant has not been reported in the literature in individuals affected with DDX41-related conditions. An algorithm developed to predict the effect of missense changes on protein structure and function (PolyPhen-2) suggests that this variant is likely to be tolerated. In summary, the available evidence is currently insufficient to determine the role of this variant in disease. Therefore, it has been classified as a Variant of Uncertain Significance.

Blueprint Genetics
Classification: Uncertain significance. Last evaluated: 2019-09-20. Review status: criteria provided, single submitter. Criteria: ACMG Guidelines, 2015. Collection method: clinical testing. Allele origin: germline.